The following is an entry in ClinVar:

NM_033100.4(CDHR1):c.1966G>A (p.Val656Met)

Gene: CDHR1 (cadherin related family member 1; plus strand). Cytogenetic location: 10q23.1.
Variant type: single nucleotide variant.
Coding change: c.1966G>A on transcript NM_033100.4 (MANE Select); coding-DNA position 1966, G replaced by A.
Protein change: p.Val656Met; replaces valine 656 with methionine.
Molecular consequence: missense variant.
Genome position (GRCh38, 1-based): chr10:84,213,274, G>A. VCF-style: chr10-84213274-G-A. GRCh37 (hg19) VCF-style: chr10-85973030-G-A.
Other names: c.1966G>A, p.Val656Met (NM_001171971.3); short protein forms V656M.
Identifiers: ClinVar variation 1357466 (VCV001357466.8), dbSNP rs142045222, ClinGen allele CA210387172.

ClinVar aggregate classification (germline): Uncertain significance (1 of 4 stars; one submission).

Allele frequency attached by ClinVar (database versions not stated): ESP Exome Variant Server 0.00008.
gnomAD v4.1: 1 of 1,614,104 alleles (0.000062%); highest among the groups gnomAD compares: African/African-American, 0.0013%; no homozygotes.

Submission:

Labcorp Genetics (formerly Invitae), Labcorp
Classification: Uncertain significance. Last evaluated: 2022-03-19. Review status: criteria provided, single submitter. Criteria: Invitae Variant Classification Sherloc (09022015). Collection method: clinical testing. Allele origin: germline.
Comment: In summary, the available evidence is currently insufficient to determine the role of this variant in disease. Therefore, it has been classified as a Variant of Uncertain Significance. Algorithms developed to predict the effect of missense changes on protein structure and function are either unavailable or do not agree on the potential impact of this missense change (SIFT: "Deleterious"; PolyPhen-2: "Probably Damaging"; Align-GVGD: "Class C0"). This variant has not been reported in the literature in individuals affected with CDHR1-related conditions. This variant is not present in population databases (gnomAD no frequency). This sequence change replaces valine, which is neutral and non-polar, with methionine, which is neutral and non-polar, at codon 656 of the CDHR1 protein (p.Val656Met).